The following is an entry in ClinVar:

NM_001035.3(RYR2):c.11140T>G (p.Phe3714Val)

Gene: RYR2 (ryanodine receptor 2; plus strand). Cytogenetic location: 1q43.
Variant type: single nucleotide variant.
Coding change: c.11140T>G on transcript NM_001035.3 (MANE Select); coding-DNA position 11140, T replaced by G.
Protein change: p.Phe3714Val; replaces phenylalanine 3714 with valine.
Molecular consequence: missense variant.
Genome position (GRCh38, 1-based): chr1:237,742,344, T>G. VCF-style: chr1-237742344-T-G. GRCh37 (hg19) VCF-style: chr1-237905644-T-G.
Other names: p.F3714V:TTT>GTT; c.11140T>G, p.Phe3714Val (LRG_402t1); short protein forms F3714V.
Identifiers: ClinVar variation 201308 (VCV000201308.8), dbSNP rs794728771, ClinGen allele CA006896.

ClinVar aggregate classification (germline): Uncertain significance. Review status: criteria provided, multiple submitters, no conflicts (2 of 4 stars). 5 submissions from 5 submitters: Uncertain significance (5). Last evaluated 2026-05-14.

Conditions:
Cardiovascular phenotype. Identifiers: MedGen CN230736.
Catecholaminergic polymorphic ventricular tachycardia (CVPT). Also called: Catecholamine-induced polymorphic ventricular tachycardia. Identifiers: Orphanet 3286, MedGen C5574922, MONDO:0017990.
Cardiomyopathy (CMYO). Also called: Cardiomyopathies. Identifiers: Orphanet 167848, MedGen C0878544, MONDO:0004994, HP:0001638. Inheritance: Various modes of inheritance.
Catecholaminergic polymorphic ventricular tachycardia 1. Also called: RYR2-Related Catecholaminergic Polymorphic Ventricular Tachycardia; VENTRICULAR TACHYCARDIA, STRESS-INDUCED POLYMORPHIC 1; VENTRICULAR TACHYCARDIA, CATECHOLAMINERGIC POLYMORPHIC, 1, WITH OR WITHOUT ATRIAL DYSFUNCTION AND/OR DILATED CARDIOMYOPATHY. Identifiers: Orphanet 3286, MedGen C1631597, MONDO:0011484, OMIM 604772.

Allele frequency attached by ClinVar (database versions not stated): gnomAD exomes below 0.00001.
gnomAD v4.1: 4 of 1,571,884 alleles (0.00025%); highest among the groups gnomAD compares: Non-Finnish European, 0.00035%; no homozygotes.

Submissions (5):

Ambry Genetics
Classification: Uncertain significance for Cardiovascular phenotype. Last evaluated: 2026-05-14. Review status: criteria provided, single submitter. Criteria: Ambry Variant Classification Scheme 2023. Collection method: clinical testing. Allele origin: germline.
Comment: The p.F3714V variant (also known as c.11140T>G), located in coding exon 80 of the RYR2 gene, results from a T to G substitution at nucleotide position 11140. The phenylalanine at codon 3714 is replaced by valine, an amino acid with highly similar properties. This variant was detected in a cardiomyopathy/arrhythmia genetic testing cohort; however, clinical details were limited, and additional cardiac variants were detected in some cases (van Lint FHM et al. Neth Heart J, 2019 Jun;27:304-309). This amino acid position is highly conserved in available vertebrate species. In addition, this alteration is predicted to be deleterious by in silico analysis. Based on the available evidence, the clinical significance of this variant remains unclear.

Labcorp Genetics (formerly Invitae), Labcorp
Classification: Uncertain significance for Catecholaminergic polymorphic ventricular tachycardia 1. Last evaluated: 2024-09-28. Review status: criteria provided, single submitter. Criteria: Invitae Variant Classification Sherloc (09022015). Collection method: clinical testing. Allele origin: germline.
Comment: This sequence change replaces phenylalanine, which is neutral and non-polar, with valine, which is neutral and non-polar, at codon 3714 of the RYR2 protein (p.Phe3714Val). This variant is not present in population databases (gnomAD no frequency). This variant has not been reported in the literature in individuals affected with RYR2-related conditions. ClinVar contains an entry for this variant (Variation ID: 201308). Invitae Evidence Modeling of protein sequence and biophysical properties (such as structural, functional, and spatial information, amino acid conservation, physicochemical variation, residue mobility, and thermodynamic stability) has been performed for this missense variant. However, the output from this modeling did not meet the statistical confidence thresholds required to predict the impact of this variant on RYR2 protein function. In summary, the available evidence is currently insufficient to determine the role of this variant in disease. Therefore, it has been classified as a Variant of Uncertain Significance.

Color Diagnostics, LLC DBA Color Health
Classification: Uncertain significance for Cardiomyopathy. Last evaluated: 2024-09-23. Review status: criteria provided, single submitter. Criteria: ACMG Guidelines, 2015. Collection method: clinical testing. Allele origin: germline.
Comment: This missense variant replaces phenylalanine with valine at codon 3714 of the RYR2 protein. Computational prediction is inconclusive regarding the impact of this variant on protein structure and function. To our knowledge, functional studies have not been reported for this variant. This variant has been reported in an individual affected with atrial fibrillation (PMID: 30847666). This variant has not been identified in the general population by the Genome Aggregation Database (gnomAD). The available evidence is insufficient to determine the role of this variant in disease conclusively. Therefore, this variant is classified as a Variant of Uncertain Significance.

All of Us Research Program, National Institutes of Health
Classification: Uncertain significance for Catecholaminergic polymorphic ventricular tachycardia. Last evaluated: 2024-08-01. Review status: criteria provided, single submitter. Criteria: ACMG Guidelines, 2015. Collection method: clinical testing. Allele origin: germline. Inheritance: Autosomal dominant inheritance. Observed: 1 variant allele, 1 heterozygote.
Comment: This study involves interpretation of variants in research participants for the purpose of population health screening. Participant phenotype was not available at the time of variant classification. Additional details can be found in publication PMID: 35346344, PMCID: PMC8962531

GeneDx
Classification: Uncertain significance. Last evaluated: 2018-01-02. Review status: criteria provided, single submitter. Criteria: GeneDx Variant Classification (06012015). Collection method: clinical testing. Allele origin: germline. Affected: yes.
Comment: p.Phe3714Val (TTT>GTT): c.11140 T>G in exon 80 of the RYR2 gene (NM_001035.2). The F3714V variant has not been published as a mutation, nor has it been reported as a benign polymorphism to our knowledge. The F3714V variant was not observed in approximately 6,000 individuals of European and African American ancestry in the NHLBI Exome Sequencing Project, indicating it is not a common benign variant in these populations. The F3714V variant is a semi-conservative amino acid substitution, which may impact secondary protein structure as these residues differ in some properties. This substitution occurs at a position that is conserved across species. In silico analysis predicts this variant is probably damaging to the protein structure/function. However, no missense mutations in nearby residues have been reported in association with CPVT, indicating that this region of the protein may be tolerant of change. Therefore, based on the currently available information, it is unclear whether this variant is a pathogenic mutation or a rare benign variant. The variant is found in CPVT panel(s).

Literature cited by the submitters: PubMed 30847666 (cited by Ambry Genetics and Color Diagnostics, LLC DBA Color Health).